The following is an entry in ClinVar:

NM_001080512.3(BICC1):c.2794+5A>G

Gene: BICC1 (BicC family RNA binding protein 1; plus strand). Cytogenetic location: 10q21.1.
Variant type: single nucleotide variant.
Coding change: c.2794+5A>G on transcript NM_001080512.3 (MANE Select); 5 bases into the intron after coding-DNA position 2794, A replaced by G.
Molecular consequence: intron variant.
Genome position (GRCh38, 1-based): chr10:58,820,473, A>G. VCF-style: chr10-58820473-A-G. GRCh37 (hg19) VCF-style: chr10-60580233-A-G.
Identifiers: ClinVar variation 2784223 (VCV002784223.3), dbSNP rs761610808, ClinGen allele CA2609247226.

ClinVar aggregate classification (germline): Uncertain significance (1 of 4 stars; one submission).

gnomAD v4.1: 1 of 1,586,500 alleles (0.000063%); no homozygotes.

Submission:

Labcorp Genetics (formerly Invitae), Labcorp
Classification: Uncertain significance. Last evaluated: 2023-11-24. Review status: criteria provided, single submitter. Criteria: Invitae Variant Classification Sherloc (09022015). Collection method: clinical testing. Allele origin: germline.
Comment: This sequence change falls in intron 20 of the BICC1 gene. It does not directly change the encoded amino acid sequence of the BICC1 protein. It affects a nucleotide within the consensus splice site. This variant is not present in population databases (gnomAD no frequency). This variant has not been reported in the literature in individuals affected with BICC1-related conditions. Variants that disrupt the consensus splice site are a relatively common cause of aberrant splicing (PMID: 17576681, 9536098). Algorithms developed to predict the effect of sequence changes on RNA splicing suggest that this variant is not likely to affect RNA splicing. In summary, the available evidence is currently insufficient to determine the role of this variant in disease. Therefore, it has been classified as a Variant of Uncertain Significance.

Literature cited by the submitters: PubMed 17576681; PubMed 9536098.